The following is an entry in ClinVar:

ClinVar aggregate classification (germline): Uncertain significance (1 of 4 stars; one submission).

Submission:

Labcorp Genetics (formerly Invitae), Labcorp
Classification: Uncertain significance. Last evaluated: 2020-03-29. Review status: criteria provided, single submitter. Criteria: Invitae Variant Classification Sherloc (09022015). Collection method: clinical testing. Allele origin: germline.
Comment: In summary, the available evidence is currently insufficient to determine the role of this variant in disease. Therefore, it has been classified as a Variant of Uncertain Significance. Algorithms developed to predict the effect of missense changes on protein structure and function (SIFT, PolyPhen-2, Align-GVGD) all suggest that this variant is likely to be tolerated, but these predictions have not been confirmed by published functional studies and their clinical significance is uncertain. This variant has not been reported in the literature in individuals with ARHGEF18-related conditions. This variant is not present in population databases (ExAC no frequency). This sequence change replaces glycine with arginine at codon 52 of the ARHGEF18 protein (p.Gly52Arg). The glycine residue is weakly conserved and there is a moderate physicochemical difference between glycine and arginine.

NM_001367823.1(ARHGEF18):c.968-250G>C

Gene: ARHGEF18 (Rho/Rac guanine nucleotide exchange factor 18; plus strand). Cytogenetic location: 19p13.2.
Variant type: single nucleotide variant.
Coding change: c.968-250G>C on transcript NM_001367823.1 (MANE Select); 250 bases into the intron before coding-DNA position 968, G replaced by C.
Molecular consequence: intron variant. On other transcripts: 5 prime UTR variant (1).
Genome position (GRCh38, 1-based): chr19:7,440,094, G>C. VCF-style: chr19-7440094-G-C. GRCh37 (hg19) VCF-style: chr19-7504980-G-C.
Other names: c.-9G>C (NM_001130955.2); c.-226-95G>C (NM_001367824.1); c.-71-250G>C (NM_015318.4).
Identifiers: ClinVar variation 965174 (VCV000965174.9), dbSNP rs1481787208, ClinGen allele CA403093365.